The following is an entry in ClinVar:

NM_198253.3(TERT):c.2221G>A (p.Val741Met)

Gene: TERT (telomerase reverse transcriptase; minus strand). Cytogenetic location: 5p15.33.
Variant type: single nucleotide variant.
Coding change: c.2221G>A on transcript NM_198253.3 (MANE Select); coding-DNA position 2221, G replaced by A.
Protein change: p.Val741Met; replaces valine 741 with methionine.
Molecular consequence: missense variant. On other transcripts: non-coding transcript variant (2).
Genome position (GRCh38, 1-based): chr5:1,278,706, C>T on the plus strand (G>A on the coding strand, the complement: TERT is on the minus strand). VCF-style: chr5-1278706-C-T. GRCh37 (hg19) VCF-style: chr5-1278821-C-T.
Other names: c.2221G>A, p.Val741Met (NM_001193376.3); short protein forms V741M.
Identifiers: ClinVar variation 471857 (VCV000471857.23), dbSNP rs150819225, ClinGen allele CA3184622.

ClinVar aggregate classification (germline): Conflicting classifications of pathogenicity. Review status: criteria provided, conflicting classifications (1 of 4 stars). 7 submissions from 7 submitters: Uncertain significance (6); Likely benign (1). Last evaluated 2025-12-15.

Conditions:
TERT-related disorder. Also called: TERT-related condition; TERT-related disorders.
Pulmonary fibrosis and/or bone marrow failure, Telomere-related, 1. Also called: PULMONARY FIBROSIS AND/OR BONE MARROW FAILURE SYNDROME, TELOMERE-RELATED, 1. Identifiers: Orphanet 88, MedGen C3553617, MONDO:0013878, OMIM 614742.
Acute myeloid leukemia (AML). Also called: Leukemia, acute myeloid, somatic; Leukemia, acute myelogenous, somatic; Acute myeloid leukemia, adult; AML adult; Acute non-lymphocytic leukemia; Acute granulocytic leukemia. Identifiers: Orphanet 519, MedGen C0023467, MeSH D015470, MONDO:0018874, OMIM 601626, HP:0004808. Disease mechanism: Constitutively activated FLT3.
Dyskeratosis congenita, autosomal dominant 2. Identifiers: MedGen C3151443, MONDO:0013521, OMIM 613989.
Melanoma, cutaneous malignant, susceptibility to, 9. Also called: Cutaneous malignant melanoma 9. Identifiers: Orphanet 618, MedGen C3554574, MONDO:0014056, OMIM 615134.
Idiopathic Pulmonary Fibrosis. Also called: Idiopathic fibrosing alveolitis, chronic form; idiopathic fibrosing alveolitis. Identifiers: Orphanet 2032, MedGen C1800706, MeSH D054990, MONDO:0800504.
Dyskeratosis congenita. Identifiers: Orphanet 1775, MedGen C0265965, MONDO:0015780.

Allele frequency attached by ClinVar (database versions not stated): TOPMed 0.00003; ESP Exome Variant Server 0.00015.
gnomAD v4.1: 43 of 1,614,066 alleles (0.0027%); highest among the groups gnomAD compares: African/African-American, 0.008%; no homozygotes.

Submissions (7):

Labcorp Genetics (formerly Invitae), Labcorp
Classification: Likely benign for Dyskeratosis congenita, autosomal dominant 2; Idiopathic Pulmonary Fibrosis. Last evaluated: 2025-12-15. Review status: criteria provided, single submitter. Criteria: Invitae Variant Classification Sherloc (09022015). Collection method: clinical testing. Allele origin: germline.

Ambry Genetics
Classification: Uncertain significance for Dyskeratosis congenita. Last evaluated: 2025-03-11. Review status: criteria provided, single submitter. Criteria: Ambry Variant Classification Scheme 2023. Collection method: clinical testing. Allele origin: germline.
Comment: The p.V741M variant (also known as c.2221G>A), located in coding exon 6 of the TERT gene, results from a G to A substitution at nucleotide position 2221. The valine at codon 741 is replaced by methionine, an amino acid with highly similar properties. This amino acid position is not well conserved in available vertebrate species. In addition, this alteration is predicted to be tolerated by in silico analysis. Based on the available evidence, the clinical significance of this variant remains unclear.

PreventionGenetics, part of Exact Sciences
Classification: Uncertain significance for TERT-related condition. Last evaluated: 2024-12-31. Review status: criteria provided, single submitter. Criteria: ACMG Guidelines, 2015. Collection method: clinical testing. Allele origin: germline.
Comment: The TERT c.2221G>A variant is predicted to result in the amino acid substitution p.Val741Met. This variant has been observed in individuals with myeloid neoplasia (Gurnari et al. 2022. PubMed ID: 35106810). This variant is reported in 0.018% of alleles in individuals of African descent in gnomAD. At this time, the clinical significance of this variant is uncertain due to the absence of conclusive functional and genetic evidence.

Baylor Genetics
Classification: Uncertain significance for Dyskeratosis congenita, autosomal dominant 2. Last evaluated: 2024-02-13. Review status: criteria provided, single submitter. Criteria: ACMG Guidelines, 2015. Collection method: clinical testing. Allele origin: unknown.

Fulgent Genetics
Classification: Uncertain significance for Acute myeloid leukemia; Dyskeratosis congenita, autosomal dominant 2; Pulmonary fibrosis and/or bone marrow failure, Telomere-related, 1; Melanoma, cutaneous malignant, susceptibility to, 9. Last evaluated: 2024-01-18. Review status: criteria provided, single submitter. Criteria: ACMG Guidelines, 2015. Collection method: clinical testing. Allele origin: germline.

GeneDx
Classification: Uncertain significance. Last evaluated: 2023-08-02. Review status: criteria provided, single submitter. Criteria: GeneDx Variant Classification Process June 2021. Collection method: clinical testing. Allele origin: germline. Affected: yes.
Comment: In silico analysis supports that this missense variant does not alter protein structure/function; Identified in individuals with myeloid neoplasia (Gurnari et al., 2022); This variant is associated with the following publications: (PMID: 35106810)

Center for Genomics, Ann and Robert H. Lurie Children's Hospital of Chicago
Classification: Uncertain significance for Dyskeratosis congenita, autosomal dominant 2; Melanoma, cutaneous malignant, susceptibility to, 9; Pulmonary fibrosis and/or bone marrow failure, Telomere-related, 1; Acute myeloid leukemia. Review status: criteria provided, single submitter. Criteria: ACMG Guidelines, 2015. Collection method: clinical testing. Allele origin: germline.
Comment: TERT NM_198253.2 exon 6 p.Val741Met (c.2221G>A): This variant has not been reported in the literature, but it is present in 3/24032 of African alleles in the Genome Aggregation Database. This variant is present in ClinVar (Variation ID: 471857). This variant amino acid, Methionine (Met), is present in three mammalian species (Gorilla, Pika, Panda) and is not well conserved among evolutionarily distant species; this suggests that this variant may not impact the protein. Additional computational prediction tools do not suggest an impact. In summary, data on this variant are insufficient for disease classification. Therefore, the clinical significance of this variant is uncertain.